The following is an entry in ClinVar:

NM_001401501.2(MUC16):c.43449C>T (p.Phe14483=)

Gene: MUC16 (mucin 16, cell surface associated; minus strand). Cytogenetic location: 19p13.2.
Variant type: single nucleotide variant.
Coding change: c.43449C>T on transcript NM_001401501.2 (MANE Select); coding-DNA position 43449, C replaced by T.
Protein change: p.Phe14483=; no amino-acid change (phenylalanine 14483 retained).
Molecular consequence: synonymous variant.
Genome position (GRCh38, 1-based): chr19:8,886,823, G>A on the plus strand (C>T on the coding strand, the complement: MUC16 is on the minus strand). VCF-style: chr19-8886823-G-A. GRCh37 (hg19) VCF-style: chr19-8997499-G-A.
Other names: c.43875C>T, p.Phe14625= (NM_001414686.1); c.43329C>T, p.Phe14443= (NM_001414687.1); c.40923C>T, p.Phe13641= (NM_024690.2).
Identifiers: ClinVar variation 3056429 (VCV003056429.2), dbSNP rs774409792, ClinGen allele CA9163054.

ClinVar aggregate classification (germline): Likely benign (0 of 4 stars; one submission).

Conditions:
MUC16-related disorder. Also called: MUC16-related condition.

Allele frequency attached by ClinVar (database versions not stated): ExAC 0.00003.

Submission:

PreventionGenetics, part of Exact Sciences
Classification: Likely benign for MUC16-related condition. Last evaluated: 2019-02-18. Review status: no assertion criteria provided. Collection method: clinical testing. Allele origin: germline.
Comment: This variant is classified as likely benign based on ACMG/AMP sequence variant interpretation guidelines (Richards et al. 2015 PMID: 25741868, with internal and published modifications).